The following is an entry in ClinVar:

ClinVar aggregate classification (germline): Uncertain significance (1 of 4 stars; one submission).

Conditions:
Ellis-van Creveld syndrome (EVC). Also called: Chondroectodermal dysplasia; EVC-Related Ellis-van Creveld Syndrome; EVC2-Related Ellis-van Creveld Syndrome; MESOECTODERMAL DYSPLASIA. Identifiers: Orphanet 289, MedGen C0013903, MONDO:0009162, OMIM 225500.
Curry-Hall syndrome (WAD). Also called: WEYERS ACRODENTAL DYSOSTOSIS. Identifiers: Orphanet 952, MedGen C0457013, MONDO:0008673, OMIM 193530.

Submission:

Labcorp Genetics (formerly Invitae), Labcorp
Classification: Uncertain significance for Curry-Hall syndrome; Ellis-van Creveld syndrome. Last evaluated: 2020-11-16. Review status: criteria provided, single submitter. Criteria: Invitae Variant Classification Sherloc (09022015). Collection method: clinical testing. Allele origin: germline.
Comment: This sequence change replaces phenylalanine with cysteine at codon 240 of the EVC protein (p.Phe240Cys). The phenylalanine residue is weakly conserved and there is a large physicochemical difference between phenylalanine and cysteine. This variant is not present in population databases (ExAC no frequency). This variant has not been reported in the literature in individuals with EVC-related conditions. Algorithms developed to predict the effect of missense changes on protein structure and function are either unavailable or do not agree on the potential impact of this missense change (SIFT: "Deleterious"; PolyPhen-2: "Possibly Damaging"; Align-GVGD: "Class C0"). In summary, the available evidence is currently insufficient to determine the role of this variant in disease. Therefore, it has been classified as a Variant of Uncertain Significance.

NM_153717.3(EVC):c.719T>G (p.Phe240Cys)

Gene: EVC (EvC ciliary complex subunit 1; plus strand). Cytogenetic location: 4p16.2.
Variant type: single nucleotide variant.
Coding change: c.719T>G on transcript NM_153717.3 (MANE Select); coding-DNA position 719, T replaced by G.
Protein change: p.Phe240Cys; replaces phenylalanine 240 with cysteine.
Molecular consequence: missense variant.
Genome position (GRCh38, 1-based): chr4:5,741,732, T>G. VCF-style: chr4-5741732-T-G. GRCh37 (hg19) VCF-style: chr4-5743459-T-G.
Other names: c.719T>G, p.Phe240Cys (NM_001306090.2, NM_001306092.2); short protein forms F240C.
Identifiers: ClinVar variation 1348129 (VCV001348129.9), dbSNP rs2152000493, ClinGen allele CA356147319.